The following is an entry in ClinVar:

NM_024529.5(CDC73):c.436G>A (p.Val146Met)

Gene: CDC73 (cell division cycle 73; plus strand). Cytogenetic location: 1q31.2.
Variant type: single nucleotide variant.
Coding change: c.436G>A on transcript NM_024529.5 (MANE Select); coding-DNA position 436, G replaced by A.
Protein change: p.Val146Met; replaces valine 146 with methionine.
Molecular consequence: missense variant.
Genome position (GRCh38, 1-based): chr1:193,138,097, G>A. VCF-style: chr1-193138097-G-A. GRCh37 (hg19) VCF-style: chr1-193107227-G-A.
Other names: short protein forms V146M.
Identifiers: ClinVar variation 3488545 (VCV003488545.2).

ClinVar aggregate classification (germline): Uncertain significance. Review status: criteria provided, multiple submitters, no conflicts (2 of 4 stars). 2 submissions from 2 submitters: Uncertain significance (2). Last evaluated 2026-01-27.

Conditions:
Hereditary cancer-predisposing syndrome. Also called: Tumor predisposition; Neoplastic Syndromes, Hereditary; Hereditary Cancer Syndrome; Hereditary neoplastic syndrome. Identifiers: Orphanet 140162, MedGen C0027672, MeSH D009386, MONDO:0015356.
Parathyroid carcinoma (PRTC). Also called: CDC73-Related Parathyroid Carcinoma; Parathyroid gland carcinoma. Identifiers: Orphanet 143, MedGen C0687150, MONDO:0012004, OMIM 608266, HP:0006780.

Submissions (2):

Labcorp Genetics (formerly Invitae), Labcorp
Classification: Uncertain significance for Parathyroid carcinoma. Last evaluated: 2026-01-27. Review status: criteria provided, single submitter. Criteria: Invitae Variant Classification Sherloc (09022015). Collection method: clinical testing. Allele origin: germline.
Comment: This sequence change replaces valine, which is neutral and non-polar, with methionine, which is neutral and non-polar, at codon 146 of the CDC73 protein (p.Val146Met). This variant is not present in population databases (gnomAD no frequency). This variant has not been reported in the literature in individuals affected with CDC73-related conditions. ClinVar contains an entry for this variant (Variation ID: 3488545). Invitae Evidence Modeling of protein sequence and biophysical properties (such as structural, functional, and spatial information, amino acid conservation, physicochemical variation, residue mobility, and thermodynamic stability) indicates that this missense variant is not expected to disrupt CDC73 protein function with a negative predictive value of 80%. In summary, the available evidence is currently insufficient to determine the role of this variant in disease. Therefore, it has been classified as a Variant of Uncertain Significance.

Ambry Genetics
Classification: Uncertain significance for Hereditary cancer-predisposing syndrome. Last evaluated: 2024-12-10. Review status: criteria provided, single submitter. Criteria: Ambry Variant Classification Scheme 2023. Collection method: clinical testing. Allele origin: germline.
Comment: The p.V146M variant (also known as c.436G>A), located in coding exon 6 of the CDC73 gene, results from a G to A substitution at nucleotide position 436. The valine at codon 146 is replaced by methionine, an amino acid with highly similar properties. This amino acid position is conserved. In addition, the in silico prediction for this alteration is inconclusive. Based on the available evidence, the clinical significance of this variant remains unclear.